The following is an entry in ClinVar:

NM_144666.3(DNHD1):c.9962G>A (p.Arg3321Gln)

Gene: DNHD1 (dynein heavy chain domain 1; plus strand). Cytogenetic location: 11p15.4.
Variant type: single nucleotide variant.
Coding change: c.9962G>A on transcript NM_144666.3 (MANE Select); coding-DNA position 9962, G replaced by A.
Protein change: p.Arg3321Gln; replaces arginine 3321 with glutamine.
Molecular consequence: missense variant.
Genome position (GRCh38, 1-based): chr11:6,563,802, G>A. VCF-style: chr11-6563802-G-A. GRCh37 (hg19) VCF-style: chr11-6585032-G-A.
Other names: short protein forms R3321Q.
Identifiers: ClinVar variation 3042163 (VCV003042163.2), dbSNP rs11604232, ClinGen allele CA5856463.

ClinVar aggregate classification (germline): Benign (0 of 4 stars; one submission).

Conditions:
DNHD1-related disorder. Also called: DNHD1-related condition.

Allele frequency attached by ClinVar (database versions not stated): 1000 Genomes Project 30x 0.01593; 1000 Genomes Project 0.01597; ExAC 0.01694; TOPMed 0.01786; gnomAD 0.01943; ESP Exome Variant Server 0.02322.
gnomAD v4.1: 26,626 of 1,551,622 alleles (1.7%); highest among the groups gnomAD compares: Middle Eastern, 3.2%; 252 homozygotes.

Submission:

PreventionGenetics, part of Exact Sciences
Classification: Benign for DNHD1-related condition. Last evaluated: 2019-02-21. Review status: no assertion criteria provided. Collection method: clinical testing. Allele origin: germline.
Comment: This variant is classified as benign based on ACMG/AMP sequence variant interpretation guidelines (Richards et al. 2015 PMID: 25741868, with internal and published modifications).